The following is an entry in ClinVar:

NM_177438.3(DICER1):c.2475T>C (p.Val825=)

Gene: DICER1 (dicer 1, ribonuclease III; minus strand). Cytogenetic location: 14q32.13.
Variant type: single nucleotide variant.
Coding change: c.2475T>C on transcript NM_177438.3 (MANE Select); coding-DNA position 2475, T replaced by C.
Protein change: p.Val825=; no amino-acid change (valine 825 retained).
Molecular consequence: synonymous variant. On other transcripts: non-coding transcript variant (6).
Genome position (GRCh38, 1-based): chr14:95,108,055, A>G on the plus strand (T>C on the coding strand, the complement: DICER1 is on the minus strand). VCF-style: chr14-95108055-A-G. GRCh37 (hg19) VCF-style: chr14-95574392-A-G.
Other names: c.2475T>C, p.Val825= (NM_001195573.1, NM_001271282.3, NM_001291628.2 and 12 more transcripts); c.2193T>C, p.Val731= (NM_001395686.1); c.2070T>C, p.Val690= (NM_001395687.1, NM_001395688.1, NM_001395689.1 and 2 more transcripts); c.1908T>C, p.Val636= (NM_001395691.1); c.792T>C, p.Val264= (NM_001395697.1).
Identifiers: ClinVar variation 4085759 (VCV004085759.8).

ClinVar aggregate classification (germline): Likely benign (1 of 4 stars; one submission).

Submission:

CeGaT Center for Human Genetics Tuebingen
Classification: Likely benign. Last evaluated: 2025-08-01. Review status: criteria provided, single submitter. Criteria: CeGaT Center For Human Genetics Tuebingen Variant Classification Criteria Version 2. Collection method: clinical testing. Allele origin: germline. Affected: yes. Observed: 1 variant allele.
Comment: DICER1: PM2:Supporting, BP4, BP7